The following is an entry in ClinVar:

NM_005573.4(LMNB1):c.165G>A (p.Thr55=)

Gene: LMNB1 (lamin B1; plus strand). Cytogenetic location: 5q23.2.
Variant type: single nucleotide variant.
Coding change: c.165G>A on transcript NM_005573.4 (MANE Select); coding-DNA position 165, G replaced by A.
Protein change: p.Thr55=; no amino-acid change (threonine 55 retained).
Molecular consequence: synonymous variant. On other transcripts: non-coding transcript variant (1), intron variant (1).
Genome position (GRCh38, 1-based): chr5:126,777,673, G>A. VCF-style: chr5-126777673-G-A. GRCh37 (hg19) VCF-style: chr5-126113365-G-A.
Other names: c.-272+429G>A (NM_001198557.2).
Identifiers: ClinVar variation 780563 (VCV000780563.26), dbSNP rs142844239, ClinGen allele CA3390422.
Genomic context (GRCh38, chr5:126,777,673, plus strand): 5'-GCTGCGCGAGCTCAATGACCGGCTGGCGGTGTACATCGACAAGGTGCGCAGCCTGGAGAC[G>A]GAGAACAGCGCGCTGCAGCTGCAGGTGACGGAGCGCGAGGAGGTGCGCGGCCGTGAGCTC-3'
Protein context (NP_005564.1, residues 45-65): VYIDKVRSLE[Thr55=]ENSALQLQVT

ClinVar aggregate classification (germline): Benign/Likely benign. Review status: criteria provided, multiple submitters, no conflicts (2 of 4 stars). 3 submissions from 3 submitters: Benign (1); Likely benign (2). Last evaluated 2025-10-21.

Allele frequency attached by ClinVar (database versions not stated): gnomAD exomes 0.00029 and 0.00068; ExAC 0.00167; ESP Exome Variant Server 0.00213; gnomAD 0.00271 and 0.00293; TOPMed 0.00294; 1000 Genomes Project 30x 0.00344; 1000 Genomes Project 0.00399.

Submissions (3):

Labcorp Genetics (formerly Invitae), Labcorp
Classification: Benign. Last evaluated: 2025-10-21. Review status: criteria provided, single submitter. Criteria: Invitae Variant Classification Sherloc (09022015). Collection method: clinical testing. Allele origin: germline.

Blueprint Genetics
Classification: Likely benign. Last evaluated: 2024-11-06. Review status: criteria provided, single submitter. Criteria: ACMG Guidelines, 2015. Collection method: clinical testing. Allele origin: germline.

CeGaT Center for Human Genetics Tuebingen
Classification: Likely benign. Last evaluated: 2024-10-01. Review status: criteria provided, single submitter. Criteria: CeGaT Center For Human Genetics Tuebingen Variant Classification Criteria Version 2. Collection method: clinical testing. Allele origin: germline. Affected: yes. Observed: 1 variant allele.
Comment: LMNB1: BP4, BP7, BS1